The following is an entry in ClinVar:

NM_001348716.2(KDM6B):c.1011A>C (p.Pro337=)

Gene: KDM6B (lysine demethylase 6B; plus strand). Cytogenetic location: 17p13.1.
Variant type: single nucleotide variant.
Coding change: c.1011A>C on transcript NM_001348716.2 (MANE Select); coding-DNA position 1011, A replaced by C.
Protein change: p.Pro337=; no amino-acid change (proline 337 retained).
Molecular consequence: synonymous variant.
Genome position (GRCh38, 1-based): chr17:7,847,206, A>C. VCF-style: chr17-7847206-A-C. GRCh37 (hg19) VCF-style: chr17-7750524-A-C.
Other names: c.1011A>C, p.Pro337= (NM_001080424.2).
Identifiers: ClinVar variation 2647394 (VCV002647394.24), dbSNP rs1357661895, ClinGen allele CA497946329.

ClinVar aggregate classification (germline): Likely benign (1 of 4 stars; one submission).

Submission:

CeGaT Center for Human Genetics Tuebingen
Classification: Likely benign. Last evaluated: 2022-11-01. Review status: criteria provided, single submitter. Criteria: CeGaT Center For Human Genetics Tuebingen Variant Classification Criteria Version 2. Collection method: clinical testing. Allele origin: germline. Affected: yes. Observed: 1 variant allele.
Comment: KDM6B: BP4, BP7